The following is an entry in ClinVar:

ClinVar aggregate classification (germline): Uncertain significance (1 of 4 stars; one submission).

Conditions:
Leukoencephalopathy with vanishing white matter 5 (VWM5). Also called: Leukoencephalopathy with vanishing white matter 5, with or without ovarian failure; EIF2B5-Related Childhood Ataxia with Central Nervous System Hypomyelination/Vanishing White Matter. Identifiers: MedGen C5779973, MONDO:0957873, OMIM 620315.

Submission:

3billion
Classification: Uncertain significance for Leukoencephalopathy with vanishing white matter 5. Last evaluated: 2025-12-16. Review status: criteria provided, single submitter. Criteria: ACMG Guidelines, 2015. Collection method: clinical testing. Allele origin: germline. Affected: yes.
Comment: The variant is not observed in the gnomAD v4.1.0 dataset. Predicted Consequence/Location: Missense variant In silico tool predictions suggest damaging effect of the variant on gene or gene product [REVEL: 0.95 (>=0.6, sensitivity 0.68 and specificity 0.92); 3Cnet: 0.75 (> 0.75, sensitivity 0.96 and precision 0.92)]. Different missense changes at the same codon (p.Phe56Cys, p.Phe56Val) have been reported as pathogenic/likely pathogenic with strong evidence (ClinVar ID: VCV000005951, VCV000005952 /PMID: 15136673, 17646634). Therefore, this variant is classified as VUS according to the recommendation of ACMG/AMP guideline.

Literature cited by the submitters: PubMed 15136673.

NM_003907.3(EIF2B5):c.167T>A (p.Phe56Tyr)

Genes: EIF2B5 (eukaryotic translation initiation factor 2B subunit epsilon; plus strand), LOC129938041 (ATAC-STARR-seq lymphoblastoid silent region 14954; plus strand). Cytogenetic location: 3q27.1.
Variant type: single nucleotide variant.
Coding change: c.167T>A on transcript NM_003907.3 (MANE Select); coding-DNA position 167, T replaced by A.
Protein change: p.Phe56Tyr; replaces phenylalanine 56 with tyrosine.
Molecular consequence: missense variant.
Genome position (GRCh38, 1-based): chr3:184,135,552, T>A. VCF-style: chr3-184135552-T-A. GRCh37 (hg19) VCF-style: chr3-183853340-T-A.
Other names: short protein forms F56Y.
Identifiers: ClinVar variation 4855691 (VCV004855691.1).